The following is an entry in ClinVar:

NM_007294.4(BRCA1):c.2235dup (p.Asp746fs)

Gene: BRCA1 (BRCA1 DNA repair associated; minus strand). Cytogenetic location: 17q21.31.
Variant type: Duplication.
Coding change: c.2235dup on transcript NM_007294.4 (MANE Select); coding-DNA position 2235, one base duplicated (A; older notation c.2235dupA).
Protein change: p.Asp746fs; shifts the reading frame from aspartic acid 746.
Molecular consequence: frameshift variant. On other transcripts: intron variant (137).
Genome position (GRCh38, 1-based): chr17:43,093,296, T duplicated on the plus strand (A on the coding strand, the reverse complement: BRCA1 is on the minus strand); the first of 2 consecutive T bases (chr17:43,093,296-43,093,297); duplicating either gives the same sequence. VCF-style (leftmost placement, unchanged base first): chr17-43093295-C-CT. GRCh37 (hg19) VCF-style: chr17-41245312-C-CT.
Other names: c.2235dup (NM_007294.3); c.2232dup, p.Asp745fs (NM_001407610.1, NM_001407611.1, NM_001407612.1 and 22 more transcripts); c.2235dup, p.Asp746fs (NM_001407616.1, NM_001407617.1, NM_001407618.1 and 30 more transcripts); c.2226dup, p.Asp743fs (NM_001407646.1, NM_001407647.1); c.2112dup, p.Asp705fs (NM_001407648.1, NM_001407664.1, NM_001407665.1 and 19 more transcripts); c.2109dup, p.Asp704fs (NM_001407649.1, NM_001407670.1, NM_001407671.1 and 11 more transcripts); c.2157dup, p.Asp720fs (NM_001407653.1, NM_001407654.1, NM_001407655.1 and 4 more transcripts); c.2154dup, p.Asp719fs (NM_001407659.1, NM_001407660.1, NM_001407661.1 and 1 more transcripts); and 42 more; short protein forms D699fs, D746fs, D634fs, D719fs, D745fs, D450fs, D578fs, D635fs.
Identifiers: ClinVar variation 928532 (VCV000928532.4), dbSNP rs2053797991, ClinGen allele CA1139664781.

ClinVar aggregate classification (germline): Likely pathogenic. Review status: criteria provided, multiple submitters, no conflicts (2 of 4 stars). 3 submissions from 3 submitters: Likely pathogenic (3). Last evaluated 2020-10-16.

Conditions:
Hereditary breast ovarian cancer syndrome. Also called: Hereditary breast and ovarian cancer syndrome (HBOC); Hereditary breast and/or ovarian cancer syndrome; Hereditary breast and ovarian cancer; BRCA1- and BRCA2-Associated Hereditary Breast and Ovarian Cancer; Hereditary breast and ovarian cancer syndrome; Breast and ovarian cancer. Identifiers: Orphanet 145, MedGen C0677776, MeSH D061325, MONDO:0003582. Disease mechanism: loss of function.
Breast-ovarian cancer, familial, susceptibility to, 1 (BROVCA1). Also called: BRCA1 Hereditary Breast and Ovarian Cancer; OVARIAN CANCER, SUSCEPTIBILITY TO. Identifiers: Orphanet 145, MedGen C2676676, MONDO:0011450, OMIM 604370. Disease mechanism: loss of function.

Submissions (3):

Quest Diagnostics Nichols Institute San Juan Capistrano
Classification: Likely pathogenic. Last evaluated: 2020-10-16. Review status: criteria provided, single submitter. Criteria: Quest Diagnostics criteria. Collection method: clinical testing. Allele origin: unknown.
Comment: This frameshift variant is predicted to cause the premature termination of BRCA1 protein synthesis. To the best of our knowledge, the variant has not been reported in the published literature. This variant has not been reported in large, multi-ethnic general populations. Based on the available information, we predict that the variant is likely pathogenic.

Baylor Genetics
Classification: Likely pathogenic for Breast-ovarian cancer, familial, susceptibility to, 1. Last evaluated: 2020-10-02. Review status: criteria provided, single submitter. Criteria: ACMG Guidelines, 2015. Collection method: clinical testing. Allele origin: unknown.

Women's Health and Genetics/Laboratory Corporation of America, LabCorp
Classification: Likely pathogenic for Hereditary breast and ovarian cancer syndrome. Last evaluated: 2019-11-27. Review status: criteria provided, single submitter. Criteria: LabCorp Variant Classification Summary - May 2015. Collection method: clinical testing. Allele origin: germline.
Comment: Variant summary: BRCA1 c.2235dupA (p.Asp746ArgfsX16) results in a premature termination codon, predicted to cause a truncation of the encoded protein or absence of the protein due to nonsense mediated decay, which are commonly known mechanisms for disease. Truncations downstream of this position have been classified as pathogenic by our laboratory (eg. c.2241delC (p.Asp749fsX4), c.2269delG (p.Val757PhefsX8)). The variant was absent in 251160 control chromosomes (gnomAD). To our knowledge, no occurrence of c.2235dupA in individuals affected with Hereditary Breast and Ovarian Cancer and no experimental evidence demonstrating its impact on protein function have been reported. No clinical diagnostic laboratories have submitted clinical-significance assessments for this variant to ClinVar after 2014. Based on the evidence outlined above, the variant was classified as likely pathogenic.